The following is an entry in ClinVar:

NM_014712.3(SETD1A):c.4245C>G (p.Tyr1415Ter)

Gene: SETD1A (SET domain containing 1A, histone lysine methyltransferase; plus strand). Cytogenetic location: 16p11.2.
Variant type: single nucleotide variant.
Coding change: c.4245C>G on transcript NM_014712.3 (MANE Select); coding-DNA position 4245, C replaced by G.
Protein change: p.Tyr1415Ter; replaces tyrosine 1415 with a stop codon.
Molecular consequence: nonsense.
Genome position (GRCh38, 1-based): chr16:30,980,031, C>G. VCF-style: chr16-30980031-C-G. GRCh37 (hg19) VCF-style: chr16-30991352-C-G.
Other names: short protein forms Y1415*.
Identifiers: ClinVar variation 3899865 (VCV003899865.1).

ClinVar aggregate classification (germline): Likely pathogenic (1 of 4 stars; one submission).

Conditions:
Neurodevelopmental disorder with speech impairment and dysmorphic facies. Identifiers: MedGen C5436699, MONDO:0033630, OMIM 619056.

Submission:

Genetics Department, Catlab
Classification: Likely pathogenic for Neurodevelopmental disorder with speech impairment and dysmorphic facies. Last evaluated: 2025-02-03. Review status: criteria provided, single submitter. Criteria: ACMG Guidelines, 2015. Collection method: clinical testing. Allele origin: germline. Affected: yes. Observed: 1 variant allele.
Comment: The c.4245C>G variant in the SETD1A gene is a loss of function variant predicted to undergo nonsense mediated decay, and loss of function variants have been described as a causing mechanism for the gene (PVS1). The variant is absent from the gnomAD database (PM2). With all the available evidence, the variant is classified as likely pathogenic.